The following is an entry in ClinVar:

ClinVar aggregate classification (germline): Uncertain significance (1 of 4 stars; one submission).

Submission:

Ambry Genetics
Classification: Uncertain significance. Last evaluated: 2023-11-18. Review status: criteria provided, single submitter. Criteria: Ambry Variant Classification Scheme 2023. Collection method: clinical testing. Allele origin: germline.
Comment: The p.D50V variant (also known as c.149A>T), located in coding exon 2 of the IDH1 gene, results from an A to T substitution at nucleotide position 149. The aspartic acid at codon 50 is replaced by valine, an amino acid with highly dissimilar properties. This amino acid position is conserved. In addition, this alteration is predicted to be deleterious by in silico analysis. Since supporting evidence is limited at this time, the clinical significance of this alteration remains unclear.

NM_005896.4(IDH1):c.149A>T (p.Asp50Val)

Gene: IDH1 (isocitrate dehydrogenase (NADP(+)) 1; minus strand). Cytogenetic location: 2q34.
Variant type: single nucleotide variant.
Coding change: c.149A>T on transcript NM_005896.4 (MANE Select); coding-DNA position 149, A replaced by T.
Protein change: p.Asp50Val; replaces aspartic acid 50 with valine.
Molecular consequence: missense variant.
Genome position (GRCh38, 1-based): chr2:208,248,634, T>A on the plus strand (A>T on the coding strand, the complement: IDH1 is on the minus strand). VCF-style: chr2-208248634-T-A. GRCh37 (hg19) VCF-style: chr2-209113358-T-A.
Other names: c.149A>T, p.Asp50Val (NM_001282386.1, NM_001282387.1); short protein forms D50V.
Identifiers: ClinVar variation 3225131 (VCV003225131.1), dbSNP rs2124863984, ClinGen allele CA350102510.